The following is an entry in ClinVar:

NM_012282.4(KCNE5):c.71G>A (p.Gly24Asp)

Gene: KCNE5 (potassium voltage-gated channel subfamily E regulatory subunit 5; minus strand). Cytogenetic location: Xq23.
Variant type: single nucleotide variant.
Coding change: c.71G>A on transcript NM_012282.4 (MANE Select); coding-DNA position 71, G replaced by A.
Protein change: p.Gly24Asp; replaces glycine 24 with aspartic acid.
Molecular consequence: missense variant.
Genome position (GRCh38, 1-based): chrX:109,624,950, C>T on the plus strand (G>A on the coding strand, the complement: KCNE5 is on the minus strand). VCF-style: chrX-109624950-C-T. GRCh37 (hg19) VCF-style: chrX-108868179-C-T.
Other names: c.71G>A (NM_012282.2); short protein forms G24D.
Identifiers: ClinVar variation 1418309 (VCV001418309.9), dbSNP rs778650204, ClinGen allele CA10490901.

ClinVar aggregate classification (germline): Uncertain significance. Review status: criteria provided, multiple submitters, no conflicts (2 of 4 stars). 2 submissions from 2 submitters: Uncertain significance (2). Last evaluated 2024-12-28.

Conditions:
Brugada syndrome. Also called: Sudden unexplained nocturnal death syndrome; Sudden Unexplained Death Syndrome; Sudden Unexplained Nocturnal Death Syndrome (SUNDS); Sudden unexpected nocturnal death syndrome. Identifiers: Orphanet 130, MedGen C1142166, MONDO:0015263.

Submissions (2):

Ambry Genetics
Classification: Uncertain significance. Last evaluated: 2024-12-28. Review status: criteria provided, single submitter. Criteria: Ambry Variant Classification Scheme 2023. Collection method: clinical testing. Allele origin: germline.
Comment: The p.G24D variant (also known as c.71G>A), located in coding exon 1 of the KCNE5 gene, results from a G to A substitution at nucleotide position 71. The glycine at codon 24 is replaced by aspartic acid, an amino acid with similar properties. This amino acid position is conserved. In addition, this alteration is predicted to be tolerated by in silico analysis. Based on the available evidence, the clinical significance of this variant remains unclear.

Labcorp Genetics (formerly Invitae), Labcorp
Classification: Uncertain significance for Brugada syndrome. Last evaluated: 2023-11-06. Review status: criteria provided, single submitter. Criteria: Invitae Variant Classification Sherloc (09022015). Collection method: clinical testing. Allele origin: germline.
Comment: This sequence change replaces glycine, which is neutral and non-polar, with aspartic acid, which is acidic and polar, at codon 24 of the KCNE5 protein (p.Gly24Asp). This variant is not present in population databases (gnomAD no frequency). This variant has not been reported in the literature in individuals affected with KCNE5-related conditions. ClinVar contains an entry for this variant (Variation ID: 1418309). An algorithm developed to predict the effect of missense changes on protein structure and function (PolyPhen-2) suggests that this variant is likely to be disruptive. Algorithms developed to predict the effect of sequence changes on RNA splicing suggest that this variant may disrupt the consensus splice site. In summary, the available evidence is currently insufficient to determine the role of this variant in disease. Therefore, it has been classified as a Variant of Uncertain Significance.